The following is an entry in ClinVar:

NM_002972.4(SBF1):c.3106C>T (p.Arg1036Trp)

Gene: SBF1 (SET binding factor 1; minus strand). Cytogenetic location: 22q13.33.
Variant type: single nucleotide variant.
Coding change: c.3106C>T on transcript NM_002972.4 (MANE Select); coding-DNA position 3106, C replaced by T.
Protein change: p.Arg1036Trp; replaces arginine 1036 with tryptophan.
Molecular consequence: missense variant.
Genome position (GRCh38, 1-based): chr22:50,460,574, G>A on the plus strand (C>T on the coding strand, the complement: SBF1 is on the minus strand). VCF-style: chr22-50460574-G-A. GRCh37 (hg19) VCF-style: chr22-50899003-G-A.
Other names: c.3109C>T, p.Arg1037Trp (NM_001365819.1); short protein forms R1037W, R1036W.
Identifiers: ClinVar variation 1438913 (VCV001438913.8), dbSNP rs375210922, ClinGen allele CA10316887.

ClinVar aggregate classification (germline): Uncertain significance. Review status: criteria provided, multiple submitters, no conflicts (2 of 4 stars). 2 submissions from 2 submitters: Uncertain significance (2). Last evaluated 2026-05-01.

Allele frequency attached by ClinVar (database versions not stated): ESP Exome Variant Server 0.00008.

Submissions (2):

CeGaT Center for Human Genetics Tuebingen
Classification: Uncertain significance. Last evaluated: 2026-05-01. Review status: criteria provided, single submitter. Criteria: CeGaT Center For Human Genetics Tuebingen Variant Classification Criteria Version 2. Collection method: clinical testing. Allele origin: germline. Affected: yes. Observed: 1 variant allele.
Comment: SBF1: PM2

Labcorp Genetics (formerly Invitae), Labcorp
Classification: Uncertain significance. Last evaluated: 2021-07-13. Review status: criteria provided, single submitter. Criteria: Invitae Variant Classification Sherloc (09022015). Collection method: clinical testing. Allele origin: germline.
Comment: This sequence change replaces arginine with tryptophan at codon 1036 of the SBF1 protein (p.Arg1036Trp). The arginine residue is weakly conserved and there is a moderate physicochemical difference between arginine and tryptophan. This variant is present in population databases (rs375210922, ExAC 0.003%). This variant has not been reported in the literature in individuals with SBF1-related conditions. Algorithms developed to predict the effect of missense changes on protein structure and function are either unavailable or do not agree on the potential impact of this missense change (SIFT: "Deleterious"; PolyPhen-2: "Possibly Damaging"; Align-GVGD: "Class C0"). In summary, the available evidence is currently insufficient to determine the role of this variant in disease. Therefore, it has been classified as a Variant of Uncertain Significance.